The following is an entry in ClinVar:

ClinVar aggregate classification (germline): Uncertain significance (1 of 4 stars; one submission).

Conditions:
Hereditary cancer-predisposing syndrome. Also called: Hereditary Cancer Syndrome; Neoplastic Syndromes, Hereditary; Tumor predisposition; Hereditary neoplastic syndrome. Identifiers: Orphanet 140162, MedGen C0027672, MeSH D009386, MONDO:0015356.

Submission:

Ambry Genetics
Classification: Uncertain significance for Hereditary cancer-predisposing syndrome. Last evaluated: 2021-12-30. Review status: criteria provided, single submitter. Criteria: Ambry Variant Classification Scheme 2023. Collection method: clinical testing. Allele origin: germline.
Comment: The p.S162A variant (also known as c.484T>G), located in coding exon 4 of the BARD1 gene, results from a T to G substitution at nucleotide position 484. The serine at codon 162 is replaced by alanine, an amino acid with similar properties. This amino acid position is well conserved in available vertebrate species. In addition, this alteration is predicted to be tolerated by in silico analysis. Since supporting evidence is limited at this time, the clinical significance of this alteration remains unclear.

NM_000465.4(BARD1):c.484T>G (p.Ser162Ala)

Gene: BARD1 (BRCA1 associated RING domain 1; minus strand). Cytogenetic location: 2q35.
Variant type: single nucleotide variant.
Coding change: c.484T>G on transcript NM_000465.4 (MANE Select); coding-DNA position 484, T replaced by G.
Protein change: p.Ser162Ala; replaces serine 162 with alanine.
Molecular consequence: missense variant. On other transcripts: non-coding transcript variant (2), intron variant (3).
Genome position (GRCh38, 1-based): chr2:214,781,390, A>C on the plus strand (T>G on the coding strand, the complement: BARD1 is on the minus strand). VCF-style: chr2-214781390-A-C. GRCh37 (hg19) VCF-style: chr2-215646114-A-C.
Other names: c.427T>G, p.Ser143Ala (NM_001282543.2); c.158+28022T>G (NM_001282548.2); c.215+15671T>G (NM_001282545.2); c.364+10907T>G (NM_001282549.2); short protein forms S162A, S143A.
Identifiers: ClinVar variation 1743574 (VCV001743574.2), dbSNP rs2469512789, ClinGen allele CA350457546.
Genomic context (GRCh38, chr2:214,781,390, plus strand): 5'-ATTCATATGAGTCTTGCTGAGCACTTGCATCTTTTTTTATTGCAGGCTGGGTTTGCACTG[A>C]AGCTTTACTCACAACATATCTGACTTTCTTACTTCGAGGGCTAAACCACATTTTAATTGA-3'
Protein context (NP_000456.2, residues 152-172): KKVRYVVSKA[Ser162Ala]VQTQPAIKKD